The following is an entry in ClinVar:

ClinVar aggregate classification (germline): Uncertain significance (1 of 4 stars; one submission).

Conditions:
Dyskeratosis congenita. Identifiers: Orphanet 1775, MedGen C0265965, MONDO:0015780.

gnomAD v4.1: 1 of 1,613,934 alleles (0.000062%); highest among the groups gnomAD compares: African/African-American, 0.0013%; no homozygotes.

Submission:

Labcorp Genetics (formerly Invitae), Labcorp
Classification: Uncertain significance for Dyskeratosis congenita. Last evaluated: 2024-10-04. Review status: criteria provided, single submitter. Criteria: Invitae Variant Classification Sherloc (09022015). Collection method: clinical testing. Allele origin: germline.
Comment: This sequence change replaces serine, which is neutral and polar, with cysteine, which is neutral and slightly polar, at codon 384 of the TINF2 protein (p.Ser384Cys). This variant is not present in population databases (gnomAD no frequency). This variant has not been reported in the literature in individuals affected with TINF2-related conditions. An algorithm developed to predict the effect of missense changes on protein structure and function (PolyPhen-2) suggests that this variant is likely to be disruptive. In summary, the available evidence is currently insufficient to determine the role of this variant in disease. Therefore, it has been classified as a Variant of Uncertain Significance.

NM_001099274.3(TINF2):c.1150A>T (p.Ser384Cys)

Gene: TINF2 (TERF1 interacting nuclear factor 2; minus strand). Cytogenetic location: 14q12.
Variant type: single nucleotide variant.
Coding change: c.1150A>T on transcript NM_001099274.3 (MANE Select); coding-DNA position 1150, A replaced by T.
Protein change: p.Ser384Cys; replaces serine 384 with cysteine.
Molecular consequence: missense variant. On other transcripts: 3 prime UTR variant (1).
Genome position (GRCh38, 1-based): chr14:24,240,135, T>A on the plus strand (A>T on the coding strand, the complement: TINF2 is on the minus strand). VCF-style: chr14-24240135-T-A. GRCh37 (hg19) VCF-style: chr14-24709341-T-A.
Other names: c.1045A>T, p.Ser349Cys (NM_001363668.2); c.*280A>T (NM_012461.3); short protein forms S349C, S384C.
Identifiers: ClinVar variation 3633996 (VCV003633996.2).